The following is an entry in ClinVar:

ClinVar aggregate classification (germline): Likely benign (0 of 4 stars; one submission).

Conditions:
DAGLA-related disorder. Also called: DAGLA-related condition.

Allele frequency attached by ClinVar (database versions not stated): 1000 Genomes Project 30x 0.00016; 1000 Genomes Project 0.00020; TOPMed 0.00022; ExAC 0.00025; gnomAD 0.00026; gnomAD exomes 0.00039; ESP Exome Variant Server 0.00046.
gnomAD v4.1: 614 of 1,611,386 alleles (0.038%); highest among the groups gnomAD compares: Non-Finnish European, 0.046%; 2 homozygotes.

Submission:

PreventionGenetics, part of Exact Sciences
Classification: Likely benign for DAGLA-related condition. Last evaluated: 2019-10-28. Review status: no assertion criteria provided. Collection method: clinical testing. Allele origin: germline.
Comment: This variant is classified as likely benign based on ACMG/AMP sequence variant interpretation guidelines (Richards et al. 2015 PMID: 25741868, with internal and published modifications).

NM_006133.3(DAGLA):c.1657-4G>A

Gene: DAGLA (diacylglycerol lipase alpha; plus strand). Cytogenetic location: 11q12.2.
Variant type: single nucleotide variant.
Coding change: c.1657-4G>A on transcript NM_006133.3 (MANE Select); 4 bases into the intron before coding-DNA position 1657, G replaced by A.
Molecular consequence: intron variant.
Genome position (GRCh38, 1-based): chr11:61,739,461, G>A. VCF-style: chr11-61739461-G-A. GRCh37 (hg19) VCF-style: chr11-61506933-G-A.
Identifiers: ClinVar variation 3045540 (VCV003045540.2), dbSNP rs199778275, ClinGen allele CA6036983.